The following is an entry in ClinVar:

ClinVar aggregate classification (germline): Likely benign (1 of 4 stars; one submission).

Submission:

CeGaT Center for Human Genetics Tuebingen
Classification: Likely benign. Last evaluated: 2023-01-01. Review status: criteria provided, single submitter. Criteria: CeGaT Center For Human Genetics Tuebingen Variant Classification Criteria Version 2. Collection method: clinical testing. Allele origin: germline. Affected: yes. Observed: 1 variant allele.
Comment: FAT4: PM2:Supporting, BP4, BP7

NM_001291303.3(FAT4):c.13248G>A (p.Leu4416=)

Gene: FAT4 (FAT atypical cadherin 4; plus strand). Cytogenetic location: 4q28.1.
Variant type: single nucleotide variant.
Coding change: c.13248G>A on transcript NM_001291303.3 (MANE Select); coding-DNA position 13248, G replaced by A.
Protein change: p.Leu4416=; no amino-acid change (leucine 4416 retained).
Molecular consequence: synonymous variant.
Genome position (GRCh38, 1-based): chr4:125,490,064, G>A. VCF-style: chr4-125490064-G-A. GRCh37 (hg19) VCF-style: chr4-126411219-G-A.
Other names: c.13245G>A, p.Leu4415= (NM_001291285.3); c.13242G>A, p.Leu4414= (NM_024582.6).
Identifiers: ClinVar variation 2655088 (VCV002655088.24), dbSNP rs1727561767, ClinGen allele CA441373375.